The following is an entry in ClinVar:

ClinVar aggregate classification (germline): Likely benign. Review status: criteria provided, multiple submitters, no conflicts (2 of 4 stars). 3 submissions from 3 submitters: Likely benign (3). Last evaluated 2023-12-22.

Allele frequency attached by ClinVar (database versions not stated): gnomAD exomes 0.00002; ExAC 0.00003; TOPMed 0.00011; gnomAD 0.00012 and 0.00013; 1000 Genomes Project 30x 0.00016; 1000 Genomes Project 0.00020; ESP Exome Variant Server 0.00023.
gnomAD v4.1: 39 of 1,614,180 alleles (0.0024%); highest among the groups gnomAD compares: African/African-American, 0.048%; 1 homozygote.

Submissions (3):

Labcorp Genetics (formerly Invitae), Labcorp
Classification: Likely benign. Last evaluated: 2023-12-22. Review status: criteria provided, single submitter. Criteria: Invitae Variant Classification Sherloc (09022015). Collection method: clinical testing. Allele origin: germline.

GeneDx
Classification: Likely benign. Last evaluated: 2020-09-09. Review status: criteria provided, single submitter. Criteria: GeneDx Variant Classification Process June 2021. Collection method: clinical testing. Allele origin: germline. Affected: yes.

Laboratory for Molecular Medicine, Mass General Brigham Personalized Medicine
Classification: Likely benign. Last evaluated: 2012-04-30. Review status: criteria provided, single submitter. Criteria: LMM Criteria. Collection method: clinical testing. Allele origin: germline. Observed: 1 variant allele.
Comment: p.Gly656Gly in Exon 08 of TECTA: This variant is not expected to have clinical s ignificance because it does not alter an amino acid residue and it is not locate d within the splice consensus sequence. It has been identified in 4/10374 Afric an chromosomes by the Exome Aggregation Consortium (rg/; dbSNP rs147246652).

NM_005422.4(TECTA):c.1968C>A (p.Gly656=)

Genes: TBCEL-TECTA (TBCEL-TECTA readthrough; plus strand), TECTA (tectorin alpha; plus strand). Cytogenetic location: 11q23.3.
Variant type: single nucleotide variant.
Coding change: c.1968C>A on transcript NM_005422.4 (MANE Select); coding-DNA position 1968, C replaced by A.
Protein change: p.Gly656=; no amino-acid change (glycine 656 retained).
Molecular consequence: synonymous variant.
Genome position (GRCh38, 1-based): chr11:121,127,945, C>A. VCF-style: chr11-121127945-C-A. GRCh37 (hg19) VCF-style: chr11-120998654-C-A.
Other names: c.2925C>A, p.Gly975= (NM_001378761.1).
Identifiers: ClinVar variation 227987 (VCV000227987.13), dbSNP rs147246652, ClinGen allele CA6326892.